The following is an entry in ClinVar:

NM_003355.3(UCP2):c.832C>T (p.Leu278Phe)

Gene: UCP2 (uncoupling protein 2; minus strand). Cytogenetic location: 11q13.4.
Variant type: single nucleotide variant.
Coding change: c.832C>T on transcript NM_003355.3 (MANE Select); coding-DNA position 832, C replaced by T.
Protein change: p.Leu278Phe; replaces leucine 278 with phenylalanine.
Molecular consequence: missense variant.
Genome position (GRCh38, 1-based): chr11:73,975,105, G>A on the plus strand (C>T on the coding strand, the complement: UCP2 is on the minus strand). VCF-style: chr11-73975105-G-A. GRCh37 (hg19) VCF-style: chr11-73686150-G-A.
Other names: c.832C>T (NM_003355.2); c.832C>T, p.Leu278Phe (NM_001381943.1, NM_001381944.1, NM_001381945.1 and 2 more transcripts); c.730C>T, p.Leu244Phe (NM_001381949.1); c.637C>T, p.Leu213Phe (NM_001381950.1); short protein forms L244F, L213F, L278F.
Identifiers: ClinVar variation 3683572 (VCV003683572.3).

ClinVar aggregate classification (germline): Uncertain significance. Review status: criteria provided, multiple submitters, no conflicts (2 of 4 stars). 2 submissions from 2 submitters: Uncertain significance (2). Last evaluated 2025-07-22.

gnomAD v4.1: 6 of 1,613,050 alleles (0.00037%); highest among the groups gnomAD compares: African/African-American, 0.0013%; no homozygotes.

Submissions (2):

Ambry Genetics
Classification: Uncertain significance. Last evaluated: 2025-07-22. Review status: criteria provided, single submitter. Criteria: Ambry Variant Classification Scheme 2023. Collection method: clinical testing. Allele origin: germline.

Labcorp Genetics (formerly Invitae), Labcorp
Classification: Uncertain significance. Last evaluated: 2024-05-06. Review status: criteria provided, single submitter. Criteria: Invitae Variant Classification Sherloc (09022015). Collection method: clinical testing. Allele origin: germline.
Comment: This sequence change replaces leucine, which is neutral and non-polar, with phenylalanine, which is neutral and non-polar, at codon 278 of the UCP2 protein (p.Leu278Phe). This variant is present in population databases (rs764567556, gnomAD 0.0009%). This variant has not been reported in the literature in individuals affected with UCP2-related conditions. An algorithm developed to predict the effect of missense changes on protein structure and function (PolyPhen-2) suggests that this variant is likely to be tolerated. In summary, the available evidence is currently insufficient to determine the role of this variant in disease. Therefore, it has been classified as a Variant of Uncertain Significance.